The following is an entry in ClinVar:

ClinVar aggregate classification (germline): Uncertain significance (1 of 4 stars; one submission).

Submission:

Dasa
Classification: Uncertain significance. Last evaluated: 2026-05-26. Review status: criteria provided, single submitter. Criteria: DASA Assertion Criteria. Collection method: clinical testing. Allele origin: germline.
Comment: NM_080646.2(TBX1):c.1070G>A (p.Arg357Lys) is a missense variant that results in the substitution of arginine with lysine. This variant is rare in population databases. Computational prediction algorithms are consistent with a benign effect. The currently available literature and clinical evidence are not sufficient to establish a definitive association between this variant and the reported condition. Therefore, this variant is classified as a variant of uncertain significance.

NM_080646.2(TBX1):c.1070G>A (p.Arg357Lys)

Gene: TBX1 (T-box transcription factor 1; plus strand). Cytogenetic location: 22q11.21.
Variant type: single nucleotide variant.
Coding change: c.1070G>A on transcript NM_080646.2; coding-DNA position 1070, G replaced by A.
Protein change: p.Arg357Lys; replaces arginine 357 with lysine.
Molecular consequence: missense variant. On other transcripts: intron variant (1).
Genome position (GRCh38, 1-based): chr22:19,779,280, G>A. VCF-style: chr22-19779280-G-A. GRCh37 (hg19) VCF-style: chr22-19766803-G-A.
Other names: c.1010-3633G>A (NM_005992.1); short protein forms R357K.
Identifiers: ClinVar variation 5020477 (VCV005020477.1).